The following is an entry in ClinVar:

NM_012414.4(RAB3GAP2):c.3262-2A>G

Gene: RAB3GAP2 (RAB3 GTPase activating non-catalytic protein subunit 2; minus strand). Cytogenetic location: 1q41.
Variant type: single nucleotide variant.
Coding change: c.3262-2A>G on transcript NM_012414.4 (MANE Select); the canonical splice acceptor site of the intron before coding-DNA position 3262, A replaced by G.
Molecular consequence: splice acceptor variant.
Genome position (GRCh38, 1-based): chr1:220,157,878, T>C on the plus strand (A>G on the coding strand, the complement: RAB3GAP2 is on the minus strand). VCF-style: chr1-220157878-T-C. GRCh37 (hg19) VCF-style: chr1-220331220-T-C.
Identifiers: ClinVar variation 4792184 (VCV004792184.1).

ClinVar aggregate classification (germline): Likely pathogenic (1 of 4 stars; one submission).

Conditions:
Warburg micro syndrome 2 (WARBM2). Also called: MICRO SYNDROME 2. Identifiers: Orphanet 2510, MedGen C3280214, MONDO:0013641, OMIM 614225.
Martsolf syndrome (MARTS). Also called: Congenital cataract with intellectual disability and hypogonadotropic hypogonadism syndrome. Identifiers: Orphanet 1387, MedGen C0796037, MONDO:0023910.

gnomAD v4.1: 1 of 1,612,356 alleles (0.000062%); highest among the groups gnomAD compares: South Asian, 0.0011%; no homozygotes.

Submission:

Labcorp Genetics (formerly Invitae), Labcorp
Classification: Likely pathogenic for Martsolf syndrome; Warburg micro syndrome 2. Last evaluated: 2025-04-17. Review status: criteria provided, single submitter. Criteria: Invitae Variant Classification Sherloc (09022015). Collection method: clinical testing. Allele origin: germline.
Comment: This sequence change affects an acceptor splice site in intron 29 of the RAB3GAP2 gene. It is expected to disrupt RNA splicing. Variants that disrupt the donor or acceptor splice site typically lead to a loss of protein function (PMID: 16199547), and loss-of-function variants in RAB3GAP2 are known to be pathogenic (PMID: 23420520). This variant is present in population databases (no rsID available, gnomAD 0.003%). This variant has not been reported in the literature in individuals affected with RAB3GAP2-related conditions. Algorithms developed to predict the effect of sequence changes on RNA splicing suggest that this variant may disrupt the consensus splice site. In summary, the currently available evidence indicates that the variant is pathogenic, but additional data are needed to prove that conclusively. Therefore, this variant has been classified as Likely Pathogenic.

Literature cited by the submitters: PubMed 16199547; PubMed 23420520.